The following is an entry in ClinVar:

ClinVar aggregate classification (germline): Benign (0 of 4 stars; one submission).

Conditions:
COL15A1-related disorder. Also called: COL15A1-related condition.

Allele frequency attached by ClinVar (database versions not stated): gnomAD exomes 0.00032; ExAC 0.00079; 1000 Genomes Project 30x 0.00187; 1000 Genomes Project 0.00200; gnomAD 0.00249; TOPMed 0.00265; ESP Exome Variant Server 0.00292.

Submission:

PreventionGenetics, part of Exact Sciences
Classification: Benign for COL15A1-related condition. Last evaluated: 2019-11-26. Review status: no assertion criteria provided. Collection method: clinical testing. Allele origin: germline.
Comment: This variant is classified as benign based on ACMG/AMP sequence variant interpretation guidelines (Richards et al. 2015 PMID: 25741868, with internal and published modifications).

NM_001855.5(COL15A1):c.3443C>T (p.Ala1148Val)

Gene: COL15A1 (collagen type XV alpha 1 chain; plus strand). Cytogenetic location: 9q22.33.
Variant type: single nucleotide variant.
Coding change: c.3443C>T on transcript NM_001855.5 (MANE Select); coding-DNA position 3443, C replaced by T.
Protein change: p.Ala1148Val; replaces alanine 1148 with valine.
Molecular consequence: missense variant.
Genome position (GRCh38, 1-based): chr9:99,062,011, C>T. VCF-style: chr9-99062011-C-T. GRCh37 (hg19) VCF-style: chr9-101824293-C-T.
Other names: short protein forms A1148V.
Identifiers: ClinVar variation 3049167 (VCV003049167.2), dbSNP rs75738969, ClinGen allele CA5155868.
Genomic context (GRCh38, chr9:99,062,011, plus strand): 5'-GAATTTAAATGATCTGACAGGTCACAGCATTCAGCAACATGGATGACATGCTGCAGAAAG[C>T]GCATTTGGTTATAGAAGGAACATTCATCTACCTGAGGGACAGCACTGAGTTTTTCATTCG-3'
Protein context (NP_001846.3, residues 1138-1158): FSNMDDMLQK[Ala1148Val]HLVIEGTFIY